The following is an entry in ClinVar:

ClinVar aggregate classification (germline): Likely benign (0 of 4 stars; one submission).

Conditions:
SEMA3G-related disorder. Also called: SEMA3G-related condition.

Submission:

PreventionGenetics, part of Exact Sciences
Classification: Likely benign for SEMA3G-related condition. Last evaluated: 2021-12-14. Review status: no assertion criteria provided. Collection method: clinical testing. Allele origin: germline.
Comment: This variant is classified as likely benign based on ACMG/AMP sequence variant interpretation guidelines (Richards et al. 2015 PMID: 25741868, with internal and published modifications).

NM_020163.3(SEMA3G):c.1668G>A (p.Lys556=)

Gene: SEMA3G (semaphorin 3G; minus strand). Cytogenetic location: 3p21.1.
Variant type: single nucleotide variant.
Coding change: c.1668G>A on transcript NM_020163.3 (MANE Select); coding-DNA position 1668, G replaced by A.
Protein change: p.Lys556=; no amino-acid change (lysine 556 retained).
Molecular consequence: synonymous variant.
Genome position (GRCh38, 1-based): chr3:52,438,041, C>T on the plus strand (G>A on the coding strand, the complement: SEMA3G is on the minus strand). VCF-style: chr3-52438041-C-T. GRCh37 (hg19) VCF-style: chr3-52472057-C-T.
Identifiers: ClinVar variation 3355072 (VCV003355072.1).